The following is an entry in ClinVar:

NM_004100.5(EYA4):c.1191+6_1191+8del

Gene: EYA4 (EYA transcriptional coactivator and phosphatase 4; plus strand). Cytogenetic location: 6q23.2.
Variant type: Deletion.
Coding change: c.1191+6_1191+8del on transcript NM_004100.5 (MANE Select); bases 6 to 8 of the intron after coding-DNA position 1191, 3 bases deleted (AAA; older notation c.1191+6_1191+8delAAA).
Molecular consequence: intron variant.
Genome position (GRCh38, 1-based): chr6:133,483,121-133,483,123, AAA deleted. VCF-style (leftmost placement, unchanged base first): chr6-133483120-GAAA-G. GRCh37 (hg19) VCF-style: chr6-133804258-GAAA-G.
Other names: c.1209+6_1209+8del (NM_001301013.2); c.1191+6_1191+8del (NM_172105.4); c.1122+6_1122+8del (NM_001370458.1, NM_172103.4); c.1047+6_1047+8del (NM_001370459.1); c.1029+6_1029+8del (NM_001301012.2).
Identifiers: ClinVar variation 2164769 (VCV002164769.4), dbSNP rs1021625959, ClinGen allele CA148057213.

ClinVar aggregate classification (germline): Uncertain significance (1 of 4 stars; one submission).

Conditions:
Dilated cardiomyopathy 1J (CMD1J). Also called: CARDIOMYOPATHY, DILATED, WITH SENSORINEURAL HEARING LOSS, AUTOSOMAL DOMINANT. Identifiers: Orphanet 217622, MedGen C1854368, MONDO:0011541, OMIM 605362.

Allele frequency attached by ClinVar (database versions not stated): gnomAD 0.00001; gnomAD exomes 0.00001; TOPMed 0.00002.

Submission:

Labcorp Genetics (formerly Invitae), Labcorp
Classification: Uncertain significance for Dilated cardiomyopathy 1J. Last evaluated: 2022-07-29. Review status: criteria provided, single submitter. Criteria: Invitae Variant Classification Sherloc (09022015). Collection method: clinical testing. Allele origin: germline.
Comment: In summary, the available evidence is currently insufficient to determine the role of this variant in disease. Therefore, it has been classified as a Variant of Uncertain Significance. Variants that disrupt the consensus splice site are a relatively common cause of aberrant splicing (PMID: 17576681, 9536098). Algorithms developed to predict the effect of sequence changes on RNA splicing suggest that this variant is not likely to affect RNA splicing. This variant has not been reported in the literature in individuals affected with EYA4-related conditions. This variant is not present in population databases (gnomAD no frequency). This sequence change falls in intron 13 of the EYA4 gene. It does not directly change the encoded amino acid sequence of the EYA4 protein. It affects a nucleotide within the consensus splice site.

Literature cited by the submitters: PubMed 17576681; PubMed 9536098.